The following is an entry in ClinVar:

ClinVar aggregate classification (germline): Uncertain significance (1 of 4 stars; one submission).

Conditions:
Zellweger spectrum disorders (ZS). Also called: Zellweger Spectrum Disorder (ZSD); Zellweger Spectrum Disorder; Zellweger Spectrum; Zellweger syndrome. Identifiers: Orphanet 912, MedGen C0043459, MONDO:0019609.

Allele frequency attached by ClinVar (database versions not stated): gnomAD exomes below 0.00001.
gnomAD v4.1: 1 of 1,613,722 alleles (0.000062%); highest among the groups gnomAD compares: Non-Finnish European, 0.000085%; no homozygotes.

Submission:

Labcorp Genetics (formerly Invitae), Labcorp
Classification: Uncertain significance for Zellweger spectrum disorders. Last evaluated: 2022-07-05. Review status: criteria provided, single submitter. Criteria: Invitae Variant Classification Sherloc (09022015). Collection method: clinical testing. Allele origin: germline.
Comment: Algorithms developed to predict the effect of missense changes on protein structure and function are either unavailable or do not agree on the potential impact of this missense change (SIFT: "Tolerated"; PolyPhen-2: "Possibly Damaging"; Align-GVGD: "Class C0"). This variant has not been reported in the literature in individuals affected with PEX1-related conditions. This variant is not present in population databases (gnomAD no frequency). This sequence change replaces aspartic acid, which is acidic and polar, with histidine, which is basic and polar, at codon 366 of the PEX1 protein (p.Asp366His). In summary, the available evidence is currently insufficient to determine the role of this variant in disease. Therefore, it has been classified as a Variant of Uncertain Significance.

NM_000466.3(PEX1):c.1096G>C (p.Asp366His)

Gene: PEX1 (peroxisomal biogenesis factor 1; minus strand). Cytogenetic location: 7q21.2.
Variant type: single nucleotide variant.
Coding change: c.1096G>C on transcript NM_000466.3 (MANE Select); coding-DNA position 1096, G replaced by C.
Protein change: p.Asp366His; replaces aspartic acid 366 with histidine.
Molecular consequence: missense variant.
Genome position (GRCh38, 1-based): chr7:92,517,419, C>G on the plus strand (G>C on the coding strand, the complement: PEX1 is on the minus strand). VCF-style: chr7-92517419-C-G. GRCh37 (hg19) VCF-style: chr7-92146733-C-G.
Other names: c.1096G>C, p.Asp366His (NM_001282677.2); c.472G>C, p.Asp158His (NM_001282678.2); short protein forms D366H, D158H.
Identifiers: ClinVar variation 2086609 (VCV002086609.4), dbSNP rs2484702305, ClinGen allele CA368198100.